The following is an entry in ClinVar:

NM_000152.5(GAA):c.8T>C (p.Val3Ala)

Gene: GAA (alpha glucosidase; plus strand). Cytogenetic location: 17q25.3.
Variant type: single nucleotide variant.
Coding change: c.8T>C on transcript NM_000152.5 (MANE Select); coding-DNA position 8, T replaced by C.
Protein change: p.Val3Ala; replaces valine 3 with alanine.
Molecular consequence: missense variant.
Genome position (GRCh38, 1-based): chr17:80,104,594, T>C. VCF-style: chr17-80104594-T-C. GRCh37 (hg19) VCF-style: chr17-78078393-T-C.
Other names: c.8T>C, p.Val3Ala (NM_001079803.3, NM_001079804.3); short protein forms V3A.
Identifiers: ClinVar variation 837058 (VCV000837058.11), dbSNP rs1037603957, ClinGen allele CA294886445.
Genomic context (GRCh38, chr17:80,104,594, plus strand): 5'-GCCCGCTTTCTTCTCCCGCAGGCCTGTAGGAGCTGTCCAGGCCATCTCCAACCATGGGAG[T>C]GAGGCACCCGCCCTGCTCCCACCGGCTCCTGGCCGTCTGCGCCCTCGTGTCCTTGGCAAC-3'
Protein context (NP_000143.2, residues 1-13): MG[Val3Ala]RHPPCSHRLL

ClinVar aggregate classification (germline): Uncertain significance. Review status: criteria provided, single submitter (1 of 4 stars). 2 submissions from 2 submitters: Uncertain significance (1). 1 of the submissions does not count toward it. Last evaluated 2021-09-01.

Conditions:
Glycogen storage disease, type II (IOPD). Also called: GLYCOGENOSIS, GENERALIZED, CARDIAC FORM; GSD II; Pompe Disease; Glycogen storage disease type 2; Acid maltase deficiency disease; Aglucosidase alfa. Identifiers: Orphanet 365, MedGen C0017921, MONDO:0009290, OMIM 232300.

Allele frequency attached by ClinVar (database versions not stated): gnomAD exomes below 0.00001.
gnomAD v4.1: 1 of 1,610,030 alleles (0.000062%); highest among the groups gnomAD compares: Non-Finnish European, 0.000085%; no homozygotes.

Submissions (2):

Labcorp Genetics (formerly Invitae), Labcorp
Classification: Uncertain significance for Glycogen storage disease, type II. Last evaluated: 2021-09-01. Review status: criteria provided, single submitter. Criteria: Invitae Variant Classification Sherloc (09022015). Collection method: clinical testing. Allele origin: germline.
Comment: This sequence change replaces valine with alanine at codon 3 of the GAA protein (p.Val3Ala). The valine residue is weakly conserved and there is a small physicochemical difference between valine and alanine. This variant is not present in population databases (ExAC no frequency). This variant has not been reported in the literature in individuals affected with GAA-related conditions. Algorithms developed to predict the effect of missense changes on protein structure and function output the following: SIFT: "Tolerated"; PolyPhen-2: "Benign"; Align-GVGD: "Class C0". The alanine amino acid residue is found in multiple mammalian species, which suggests that this missense change does not adversely affect protein function. In summary, the available evidence is currently insufficient to determine the role of this variant in disease. Therefore, it has been classified as a Variant of Uncertain Significance.

Natera, Inc.
Classification: Uncertain significance for Glycogen storage disease type II. Last evaluated: 2020-09-21. Review status: no assertion criteria provided. Collection method: clinical testing. Allele origin: germline. Not counted in ClinVar's aggregate classification.